The following is an entry in ClinVar:

ClinVar aggregate classification (germline): Conflicting classifications of pathogenicity. Review status: criteria provided, conflicting classifications (1 of 4 stars). 4 submissions from 4 submitters: Uncertain significance (1); Likely benign (3). Last evaluated 2025-11-26.

Conditions:
Familial cancer of breast. Also called: BREAST CANCER, FAMILIAL; Hereditary breast cancer; hereditary breast carcinoma. Identifiers: Orphanet 227535, MedGen C0346153, MONDO:0016419, OMIM 114480. Disease mechanism: loss of function.
Ataxia-telangiectasia syndrome (AT). Also called: ATAXIA-TELANGIECTASIA, COMPLEMENTATION GROUP A; ATAXIA-TELANGIECTASIA, FRESNO VARIANT; LOUIS-BAR SYNDROME; Ataxia telangiectasia (A-T); Cerebello-oculocutaneous telangiectasia; Immunodeficiency with ataxia telangiectasia. Identifiers: Orphanet 100, MedGen C0004135, MONDO:0008840, OMIM 208900.
Hereditary cancer-predisposing syndrome. Also called: Tumor predisposition; Neoplastic Syndromes, Hereditary; Hereditary Cancer Syndrome; Hereditary neoplastic syndrome. Identifiers: Orphanet 140162, MedGen C0027672, MeSH D009386, MONDO:0015356.

Submissions (4):

Labcorp Genetics (formerly Invitae), Labcorp
Classification: Likely benign for Ataxia-telangiectasia syndrome. Last evaluated: 2025-11-26. Review status: criteria provided, single submitter. Criteria: Invitae Variant Classification Sherloc (09022015). Collection method: clinical testing. Allele origin: germline.

Color Diagnostics, LLC DBA Color Health
Classification: Likely benign for Hereditary cancer-predisposing syndrome. Last evaluated: 2025-02-10. Review status: criteria provided, single submitter. Criteria: ACMG Guidelines, 2015. Collection method: clinical testing. Allele origin: germline.

Myriad Genetics, Inc.
Classification: Likely benign for Familial cancer of breast. Last evaluated: 2024-05-09. Review status: criteria provided, single submitter. Criteria: Myriad Autosomal Dominant, Autosomal Recessive and X-Linked Classification Criteria (2023). Collection method: clinical testing. Allele origin: unknown.
Comment: This variant is considered likely benign. This variant is intronic and is not expected to impact mRNA splicing.

GeneDx
Classification: Uncertain significance. Last evaluated: 2022-06-01. Review status: criteria provided, single submitter. Criteria: GeneDx Variant Classification Process June 2021. Collection method: clinical testing. Allele origin: germline. Affected: yes.
Comment: Not observed at significant frequency in large population cohorts (gnomAD); In silico analysis supports that this variant does not alter splicing; Has not been previously published as pathogenic or benign to our knowledge

NM_000051.4(ATM):c.2467-12T>C

Gene: ATM (ATM serine/threonine kinase; plus strand). Cytogenetic location: 11q22.3.
Variant type: single nucleotide variant.
Coding change: c.2467-12T>C on transcript NM_000051.4 (MANE Select); 12 bases into the intron before coding-DNA position 2467, T replaced by C.
Molecular consequence: intron variant.
Genome position (GRCh38, 1-based): chr11:108,267,159, T>C. VCF-style: chr11-108267159-T-C. GRCh37 (hg19) VCF-style: chr11-108137886-T-C.
Other names: c.2467-12T>C (NM_001351834.2).
Identifiers: ClinVar variation 627926 (VCV000627926.13), dbSNP rs1469467036, ClinGen allele CA913188500.